The following is an entry in ClinVar:

ClinVar aggregate classification (germline): Uncertain significance (1 of 4 stars; one submission).

Allele frequency attached by ClinVar (database versions not stated): ExAC 0.00001; gnomAD exomes 0.00001; gnomAD 0.00005; TOPMed 0.00011.

Submission:

Ambry Genetics
Classification: Uncertain significance. Last evaluated: 2024-10-05. Review status: criteria provided, single submitter. Criteria: Ambry Variant Classification Scheme 2023. Collection method: clinical testing. Allele origin: germline.
Comment: The p.T2195M variant (also known as c.6584C>T), located in coding exon 28 of the WNK2 gene, results from a C to T substitution at nucleotide position 6584. The threonine at codon 2195 is replaced by methionine, an amino acid with similar properties. This amino acid position is conserved. In addition, this alteration is predicted to be tolerated by in silico analysis. Based on the available evidence, the clinical significance of this variant remains unclear.

NM_006648.4(WNK2):c.6584C>T (p.Thr2195Met)

Gene: WNK2 (WNK lysine deficient protein kinase 2; plus strand). Cytogenetic location: 9q22.31.
Variant type: single nucleotide variant.
Coding change: c.6584C>T on transcript NM_006648.4 (MANE Select); coding-DNA position 6584, C replaced by T.
Protein change: p.Thr2195Met; replaces threonine 2195 with methionine.
Molecular consequence: missense variant.
Genome position (GRCh38, 1-based): chr9:93,317,587, C>T. VCF-style: chr9-93317587-C-T. GRCh37 (hg19) VCF-style: chr9-96079869-C-T.
Other names: c.6695C>T, p.Thr2232Met (NM_001282394.3); short protein forms T2232M, T2195M.
Identifiers: ClinVar variation 3190658 (VCV003190658.2), dbSNP rs769032200, ClinGen allele CA5130925.
Genomic context (GRCh38, chr9:93,317,587, plus strand): 5'-CACCTCGAGCAGGAGTGGGGATGCCACGTCTGCCCCCAGCGCCCGGCCCTCTGTCCACCA[C>T]GGTCATTCCCGGAGCCGCCCCGACCCTGTCCGTGCCCACACCAGGTACTGCCCTCTCCAA-3'
Protein context (NP_006639.3, residues 2185-2205): LPPAPGPLST[Thr2195Met]VIPGAAPTLS